The following is an entry in ClinVar:

NM_139125.4(MASP1):c.1832G>A (p.Arg611Gln)

Gene: MASP1 (MBL associated serine protease 1; minus strand). Cytogenetic location: 3q27.3.
Variant type: single nucleotide variant.
Coding change: c.1832G>A on transcript NM_139125.4 (MANE Select); coding-DNA position 1832, G replaced by A.
Protein change: p.Arg611Gln; replaces arginine 611 with glutamine.
Molecular consequence: missense variant. On other transcripts: non-coding transcript variant (1), intron variant (1).
Genome position (GRCh38, 1-based): chr3:187,236,039, C>T on the plus strand (G>A on the coding strand, the complement: MASP1 is on the minus strand). VCF-style: chr3-187236039-C-T. GRCh37 (hg19) VCF-style: chr3-186953827-C-T.
Other names: c.1303+5442G>A (NM_001879.6); short protein forms R611Q.
Identifiers: ClinVar variation 2051878 (VCV002051878.3), dbSNP rs143010878, ClinGen allele CA2749170.
Genomic context (GRCh38, chr3:187,236,039, plus strand): 5'-TTGCACTCAGCGTGAGGCACCACGGGTAACTTGACATACTGCAGGACATCTGACAAGGTC[C>T]GTGTGCCACTGCTGATGATCTCATCCACTGTCACATTGGGATTGGAGATGCCCCAGCCGG-3'
Protein context (NP_624302.1, residues 601-621): TVDEIISSGT[Arg611Gln]TLSDVLQYVK

ClinVar aggregate classification (germline): Uncertain significance (1 of 4 stars; one submission).

Conditions:
3MC syndrome 1. Also called: CRANIOSYNOSTOSIS WITH LID ANOMALIES; OCULOPALATOSKELETAL SYNDROME; MICHELS SYNDROME. Identifiers: Orphanet 293843, MedGen C0796059, MONDO:0009770, OMIM 257920.

Allele frequency attached by ClinVar (database versions not stated): ExAC 0.00002; gnomAD 0.00002; TOPMed 0.00005; ESP Exome Variant Server 0.00023.
gnomAD v4.1: 81 of 1,614,072 alleles (0.005%); highest among the groups gnomAD compares: Non-Finnish European, 0.0066%; no homozygotes.

Submission:

Labcorp Genetics (formerly Invitae), Labcorp
Classification: Uncertain significance for 3MC syndrome 1. Last evaluated: 2024-04-15. Review status: criteria provided, single submitter. Criteria: Invitae Variant Classification Sherloc (09022015). Collection method: clinical testing. Allele origin: germline.
Comment: This sequence change replaces arginine, which is basic and polar, with glutamine, which is neutral and polar, at codon 611 of the MASP1 protein (p.Arg611Gln). This variant is present in population databases (rs143010878, gnomAD 0.005%). This variant has not been reported in the literature in individuals affected with MASP1-related conditions. ClinVar contains an entry for this variant (Variation ID: 2051878). An algorithm developed to predict the effect of missense changes on protein structure and function (PolyPhen-2) suggests that this variant¬†is likely to be tolerated. In summary, the available evidence is currently insufficient to determine the role of this variant in disease. Therefore, it has been classified as a Variant of Uncertain Significance.